The following is an entry in ClinVar:

NM_001003800.2(BICD2):c.2227_2228delinsAC (p.Phe743Thr)

Gene: BICD2 (BICD cargo adaptor 2; minus strand). Cytogenetic location: 9q22.31.
Variant type: Indel.
Coding change: c.2227_2228delinsAC on transcript NM_001003800.2 (MANE Select); coding-DNA positions 2227 to 2228, TT replaced by AC.
Protein change: p.Phe743Thr; replaces phenylalanine 743 with threonine.
Molecular consequence: missense variant.
Genome position (GRCh38, 1-based): chr9:92,717,827-92,717,828, AA replaced by GT on the plus strand (TT replaced by AC on the coding strand, the reverse complement: BICD2 is on the minus strand). VCF-style: chr9-92717827-AA-GT. GRCh37 (hg19) VCF-style: chr9-95480109-AA-GT.
Other names: c.2227_2228delinsAC, p.Phe743Thr (NM_015250.4); short protein forms F743T.
Identifiers: ClinVar variation 1025550 (VCV001025550.7), dbSNP rs1853349102, ClinGen allele CA1864359527.
Genomic context (GRCh38, chr9:92,717,827, plus strand): 5'-AAGGGGAGGGCCCGACAGCAGCACGGTTACCTGGTGGCAAACATAGCACGCAGCGAGGAG[AA>GT]GGTGGCTGCGTCCTCCTTGAGGGCCTTGAGCTCATTGCGCAGCTTCATCATGGTCTCGGT-3'
Protein context (NP_001003800.1, residues 733-753): LKALKEDAAT[Phe743Thr]SSLRAMFATR

ClinVar aggregate classification (germline): Uncertain significance (1 of 4 stars; one submission).

Conditions:
Autosomal dominant childhood-onset proximal spinal muscular atrophy with contractures (SMALED2A). Also called: SPINAL MUSCULAR ATROPHY, LOWER EXTREMITY-PREDOMINANT, 2A, CHILDHOOD ONSET, AUTOSOMAL DOMINANT; Spinal muscular atrophy, lower extremity-predominant, 2A, autosomal dominant. Identifiers: Orphanet 363447, Orphanet 363454, MedGen C4747715, MONDO:0014121, OMIM 615290.

Submission:

Labcorp Genetics (formerly Invitae), Labcorp
Classification: Uncertain significance for Autosomal dominant childhood-onset proximal spinal muscular atrophy with contractures. Last evaluated: 2020-02-28. Review status: criteria provided, single submitter. Criteria: Invitae Variant Classification Sherloc (09022015). Collection method: clinical testing. Allele origin: germline.
Comment: This sequence change replaces phenylalanine with threonine at codon 743 of the BICD2 protein (p.Phe743Thr). The phenylalanine residue is highly conserved and there is a moderate physicochemical difference between phenylalanine and threonine. This variant is not present in population databases (ExAC no frequency). This variant has not been reported in the literature in individuals with BICD2-related conditions. Algorithms developed to predict the effect of missense changes on protein structure and function are either unavailable or do not agree on the potential impact of this missense change (SIFT: "Not Available"; PolyPhen-2: "Probably Damaging"; Align-GVGD: "Not Available"). In summary, the available evidence is currently insufficient to determine the role of this variant in disease. Therefore, it has been classified as a Variant of Uncertain Significance.